The following is an entry in ClinVar:

ClinVar aggregate classification (germline): Benign/Likely benign. Review status: criteria provided, multiple submitters, no conflicts (2 of 4 stars). 3 submissions from 3 submitters: Benign (1); Likely benign (2). Last evaluated 2025-02-21.

Conditions:
Hereditary nonpolyposis colorectal neoplasms. Identifiers: MedGen C0009405, MeSH D003123.
Hereditary cancer-predisposing syndrome. Also called: Hereditary Cancer Syndrome; Neoplastic Syndromes, Hereditary; Tumor predisposition; Hereditary neoplastic syndrome. Identifiers: Orphanet 140162, MedGen C0027672, MeSH D009386, MONDO:0015356.
Lynch syndrome 4 (LYNCH4). Also called: Colorectal cancer, hereditary nonpolyposis, type 4; Hereditary non-polyposis colorectal cancer, type 4. Identifiers: Orphanet 144, MedGen C1838333, MONDO:0013699, OMIM 614337. Disease mechanism: loss of function.

Submissions (3):

Labcorp Genetics (formerly Invitae), Labcorp
Classification: Likely benign for Hereditary nonpolyposis colorectal neoplasms. Last evaluated: 2025-02-21. Review status: criteria provided, single submitter. Criteria: Invitae Variant Classification Sherloc (09022015). Collection method: clinical testing. Allele origin: germline.

Myriad Genetics, Inc.
Classification: Benign for Lynch syndrome 4. Last evaluated: 2025-02-04. Review status: criteria provided, single submitter. Criteria: Myriad Autosomal Dominant, Autosomal Recessive and X-Linked Classification Criteria (2023). Collection method: clinical testing. Allele origin: unknown.
Comment: This variant is considered benign. This variant is a silent/synonymous amino acid change and it is not expected to impact splicing.

Ambry Genetics
Classification: Likely benign for Hereditary cancer-predisposing syndrome. Last evaluated: 2018-01-31. Review status: criteria provided, single submitter. Criteria: Ambry Variant Classification Scheme 2023. Collection method: clinical testing. Allele origin: germline.

NM_000535.7(PMS2):c.2364C>T (p.Phe788=)

Gene: PMS2 (PMS1 homolog 2, mismatch repair system component; minus strand). Cytogenetic location: 7p22.1.
Variant type: single nucleotide variant.
Coding change: c.2364C>T on transcript NM_000535.7 (MANE Select); coding-DNA position 2364, C replaced by T.
Protein change: p.Phe788=; no amino-acid change (phenylalanine 788 retained).
Molecular consequence: synonymous variant. On other transcripts: non-coding transcript variant (1).
Genome position (GRCh38, 1-based): chr7:5,977,669, G>A on the plus strand (C>T on the coding strand, the complement: PMS2 is on the minus strand). VCF-style: chr7-5977669-G-A. GRCh37 (hg19) VCF-style: chr7-6017300-G-A.
Other names: c.1959C>T, p.Phe653= (NM_001322003.2, NM_001322004.2, NM_001322005.2); c.2208C>T, p.Phe736= (NM_001322006.2); c.2046C>T, p.Phe682= (NM_001322007.2, NM_001322008.2); c.1992C>T, p.Phe664= (NM_001322009.2); c.1803C>T, p.Phe601= (NM_001322010.2); c.1431C>T, p.Phe477= (NM_001322011.2, NM_001322012.2); c.1791C>T, p.Phe597= (NM_001322013.2); c.2397C>T, p.Phe799= (NM_001322014.2); and 1 more.
Identifiers: ClinVar variation 1086608 (VCV001086608.12), dbSNP rs2128673667, ClinGen allele CA453642399.